The following is an entry in ClinVar:

ClinVar aggregate classification (germline): Pathogenic (1 of 4 stars; one submission).

Conditions:
Junctional epidermolysis bullosa. Identifiers: Orphanet 305, MedGen C0079301, MONDO:0017612.

gnomAD v4.1: 1 of 1,613,974 alleles (0.000062%); highest among the groups gnomAD compares: African/African-American, 0.0013%; no homozygotes.

Submission:

Myriad Genetics, Inc.
Classification: Pathogenic for Junctional epidermolysis bullosa. Last evaluated: 2024-05-01. Review status: criteria provided, single submitter. Criteria: Myriad Autosomal Dominant, Autosomal Recessive and X-Linked Classification Criteria (2023). Collection method: clinical testing. Allele origin: unknown.
Comment: NM_005562.2(LAMC2):c.2626C>T(Q876*) is expected to be pathogenic in the context of junctional epidermolysis bullosa, LAMC2-related. This variant is predicted to lead to an abnormal or absent protein product due to the creation of a premature termination codon in LAMC2, a gene where loss-of-function variants are known to be pathogenic. Please note: this variant was assessed in the context of healthy population screening.

NM_005562.3(LAMC2):c.2626C>T (p.Gln876Ter)

Gene: LAMC2 (laminin subunit gamma 2; plus strand). Cytogenetic location: 1q25.3.
Variant type: single nucleotide variant.
Coding change: c.2626C>T on transcript NM_005562.3 (MANE Select); coding-DNA position 2626, C replaced by T.
Protein change: p.Gln876Ter; replaces glutamine 876 with a stop codon.
Molecular consequence: nonsense.
Genome position (GRCh38, 1-based): chr1:183,237,376, C>T. VCF-style: chr1-183237376-C-T. GRCh37 (hg19) VCF-style: chr1-183206511-C-T.
Other names: c.2626C>T, p.Gln876Ter (NM_018891.3); short protein forms Q876*.
Identifiers: ClinVar variation 5012988 (VCV005012988.1).